The following is an entry in ClinVar:

NM_000228.3(LAMB3):c.2454C>A (p.Cys818Ter)

Gene: LAMB3 (laminin subunit beta 3; minus strand). Cytogenetic location: 1q32.2.
Variant type: single nucleotide variant.
Coding change: c.2454C>A on transcript NM_000228.3 (MANE Select); coding-DNA position 2454, C replaced by A.
Protein change: p.Cys818Ter; replaces cysteine 818 with a stop codon.
Molecular consequence: nonsense.
Genome position (GRCh38, 1-based): chr1:209,623,084, G>T on the plus strand (C>A on the coding strand, the complement: LAMB3 is on the minus strand). VCF-style: chr1-209623084-G-T. GRCh37 (hg19) VCF-style: chr1-209796429-G-T.
Other names: c.2454C>A, p.Cys818Ter (NM_001017402.2, NM_001127641.1); short protein forms C818*.
Identifiers: ClinVar variation 2841696 (VCV002841696.3), dbSNP rs2464791133, ClinGen allele CA344587994.
Genomic context (GRCh38, chr1:209,623,084, plus strand): 5'-CTGCTCAGCCACCTGCCCCGCCATCAAGAAGGCCCCACCGGCCCTGGGAAGGACACCCCT[G>T]CAGCGGGAGCCACAGGCTGTGCCATTGTCTTGGGGACATAGCTCACCAGGGCATGATATT-3'

ClinVar aggregate classification (germline): Pathogenic (1 of 4 stars; one submission).

Submission:

Labcorp Genetics (formerly Invitae), Labcorp
Classification: Pathogenic. Last evaluated: 2023-03-01. Review status: criteria provided, single submitter. Criteria: Invitae Variant Classification Sherloc (09022015). Collection method: clinical testing. Allele origin: germline.
Comment: This sequence change creates a premature translational stop signal (p.Cys818*) in the LAMB3 gene. It is expected to result in an absent or disrupted protein product. Loss-of-function variants in LAMB3 are known to be pathogenic (PMID: 11023379, 16473856). For these reasons, this variant has been classified as Pathogenic. Algorithms developed to predict the effect of sequence changes on RNA splicing suggest that this variant may disrupt the consensus splice site. This variant has not been reported in the literature in individuals affected with LAMB3-related conditions. This variant is not present in population databases (gnomAD no frequency).

Literature cited by the submitters: PubMed 11023379; PubMed 16473856.